The following is an entry in ClinVar:

ClinVar aggregate classification (germline): Uncertain significance (1 of 4 stars; one submission).

Allele frequency attached by ClinVar (database versions not stated): gnomAD 0.00002; gnomAD exomes 0.00002.
gnomAD v4.1: 33 of 1,613,220 alleles (0.002%); highest among the groups gnomAD compares: Middle Eastern, 0.016%; no homozygotes.

Submission:

Labcorp Genetics (formerly Invitae), Labcorp
Classification: Uncertain significance. Last evaluated: 2025-02-13. Review status: criteria provided, single submitter. Criteria: Invitae Variant Classification Sherloc (09022015). Collection method: clinical testing. Allele origin: germline.
Comment: This sequence change falls in intron 10 of the DUOX2 gene. It does not directly change the encoded amino acid sequence of the DUOX2 protein. This variant is present in population databases (no rsID available, gnomAD 0.006%). This variant has not been reported in the literature in individuals affected with DUOX2-related conditions. ClinVar contains an entry for this variant (Variation ID: 1915776). Algorithms developed to predict the effect of sequence changes on RNA splicing suggest that this variant may disrupt the consensus splice site. In summary, the available evidence is currently insufficient to determine the role of this variant in disease. Therefore, it has been classified as a Variant of Uncertain Significance.

NM_001363711.2(DUOX2):c.1131+18G>A

Gene: DUOX2 (dual oxidase 2; minus strand). Cytogenetic location: 15q21.1.
Variant type: single nucleotide variant.
Coding change: c.1131+18G>A on transcript NM_001363711.2 (MANE Select); 18 bases into the intron after coding-DNA position 1131, G replaced by A.
Molecular consequence: intron variant.
Genome position (GRCh38, 1-based): chr15:45,109,872, C>T on the plus strand (G>A on the coding strand, the complement: DUOX2 is on the minus strand). VCF-style: chr15-45109872-C-T. GRCh37 (hg19) VCF-style: chr15-45402070-C-T.
Other names: c.1131+18G>A (NM_014080.5).
Identifiers: ClinVar variation 1915776 (VCV001915776.3), dbSNP rs1412178418, ClinGen allele CA618007157.
Genomic context (GRCh38, chr15:45,109,872, plus strand): 5'-TGGGATTGTTGCTTTTCCCAGCCTGTGTGAAGAGACTGACCTTGACCCATCTTCCCCTGA[C>T]CCTGACCCCAGTCTGACCTCCCGAATCCAGTAGTTGTTGCAGACCCTGAGAGCTTGGGAG-3'